The following is an entry in ClinVar:

ClinVar aggregate classification (germline): Uncertain significance (0 of 4 stars; one submission).

Conditions:
ABCC2-related disorder. Also called: ABCC2-related condition.

gnomAD v4.1: 1 of 1,614,050 alleles (0.000062%); highest among the groups gnomAD compares: South Asian, 0.0011%; no homozygotes.

Submission:

PreventionGenetics, part of Exact Sciences
Classification: Uncertain significance for ABCC2-related condition. Last evaluated: 2024-09-20. Review status: no assertion criteria provided. Collection method: clinical testing. Allele origin: germline.
Comment: The ABCC2 c.3401A>T variant is predicted to result in the amino acid substitution p.Tyr1134Phe. To our knowledge, this variant has not been reported in the literature or in a large population database, indicating this variant is rare. At this time, the clinical significance of this variant is uncertain due to the absence of conclusive functional and genetic evidence.

NM_000392.5(ABCC2):c.3401A>T (p.Tyr1134Phe)

Genes: ABCC2 (ATP binding cassette subfamily C member 2; plus strand), LOC126861013 (CDK7 strongly-dependent group 2 enhancer GRCh37_chr10:101593724-101594923; plus strand). Cytogenetic location: 10q24.2.
Variant type: single nucleotide variant.
Coding change: c.3401A>T on transcript NM_000392.5 (MANE Select); coding-DNA position 3401, A replaced by T.
Protein change: p.Tyr1134Phe; replaces tyrosine 1134 with phenylalanine.
Molecular consequence: missense variant.
Genome position (GRCh38, 1-based): chr10:99,834,522, A>T. VCF-style: chr10-99834522-A-T. GRCh37 (hg19) VCF-style: chr10-101594279-A-T.
Other names: short protein forms Y1134F.
Identifiers: ClinVar variation 3348000 (VCV003348000.1).